The following is an entry in ClinVar:

NM_000057.4(BLM):c.3412T>G (p.Ser1138Ala)

Gene: BLM (BLM RecQ like helicase; plus strand). Cytogenetic location: 15q26.1.
Variant type: single nucleotide variant.
Coding change: c.3412T>G on transcript NM_000057.4 (MANE Select); coding-DNA position 3412, T replaced by G.
Protein change: p.Ser1138Ala; replaces serine 1138 with alanine.
Molecular consequence: missense variant. On other transcripts: intron variant (1).
Genome position (GRCh38, 1-based): chr15:90,803,574, T>G. VCF-style: chr15-90803574-T-G. GRCh37 (hg19) VCF-style: chr15-91346804-T-G.
Other names: c.3412T>G, p.Ser1138Ala (NM_001287246.2); c.2287T>G, p.Ser763Ala (NM_001287248.2); c.3358+5237T>G (NM_001287247.2); short protein forms S763A, S1138A.
Identifiers: ClinVar variation 2703502 (VCV002703502.1), dbSNP rs2505546912, ClinGen allele CA393847540.

ClinVar aggregate classification (germline): Uncertain significance (1 of 4 stars; one submission).

Conditions:
Bloom syndrome (BLM). Also called: Bloom-Torre-Machacek syndrome. Identifiers: Orphanet 125, MedGen C0005859, MONDO:0008876, OMIM 210900.

Submission:

Labcorp Genetics (formerly Invitae), Labcorp
Classification: Uncertain significance for Bloom syndrome. Last evaluated: 2024-01-05. Review status: criteria provided, single submitter. Criteria: Invitae Variant Classification Sherloc (09022015). Collection method: clinical testing. Allele origin: germline.
Comment: This sequence change replaces serine, which is neutral and polar, with alanine, which is neutral and non-polar, at codon 1138 of the BLM protein (p.Ser1138Ala). This variant is not present in population databases (gnomAD no frequency). This variant has not been reported in the literature in individuals affected with BLM-related conditions. Advanced modeling of protein sequence and biophysical properties (such as structural, functional, and spatial information, amino acid conservation, physicochemical variation, residue mobility, and thermodynamic stability) performed at Invitae indicates that this missense variant is not expected to disrupt BLM protein function with a negative predictive value of 80%. In summary, the available evidence is currently insufficient to determine the role of this variant in disease. Therefore, it has been classified as a Variant of Uncertain Significance.